The following is an entry in ClinVar:

NM_000455.5(STK11):c.289A>T (p.Lys97Ter)

Gene: STK11 (serine/threonine kinase 11; plus strand). Cytogenetic location: 19p13.3.
Variant type: single nucleotide variant.
Coding change: c.289A>T on transcript NM_000455.5 (MANE Select); coding-DNA position 289, A replaced by T.
Protein change: p.Lys97Ter; replaces lysine 97 with a stop codon.
Molecular consequence: nonsense.
Genome position (GRCh38, 1-based): chr19:1,207,202, A>T. VCF-style: chr19-1207202-A-T. GRCh37 (hg19) VCF-style: chr19-1207201-A-T.
Other names: short protein forms K97*.
Identifiers: ClinVar variation 853226 (VCV000853226.7), dbSNP rs2080673604, ClinGen allele CA402944654.

ClinVar aggregate classification (germline): Pathogenic (1 of 4 stars; one submission).

Conditions:
Peutz-Jeghers syndrome (PJS). Also called: POLYPOSIS, HAMARTOMATOUS INTESTINAL; POLYPS-AND-SPOTS SYNDROME; Peutz-Jeghers polyposis; Periorificial lentiginosis syndrome. Identifiers: Orphanet 2869, MedGen C0031269, MeSH D010580, MONDO:0008280, OMIM 175200.

Submission:

Labcorp Genetics (formerly Invitae), Labcorp
Classification: Pathogenic for Peutz-Jeghers syndrome. Last evaluated: 2019-01-29. Review status: criteria provided, single submitter. Criteria: Invitae Variant Classification Sherloc (09022015). Collection method: clinical testing. Allele origin: germline.
Comment: For these reasons, this variant has been classified as Pathogenic. Loss-of-function variants in STK11 are known to be pathogenic (PMID: 15188174, 16287113). This variant has not been reported in the literature in individuals with STK11-related conditions. This variant is not present in population databases (ExAC no frequency). This sequence change creates a premature translational stop signal (p.Lys97*) in the STK11 gene. It is expected to result in an absent or disrupted protein product.

Literature cited by the submitters: PubMed 15188174; PubMed 16287113.